The following is an entry in ClinVar:

ClinVar aggregate classification (germline): Uncertain significance. Review status: criteria provided, multiple submitters, no conflicts (2 of 4 stars). 2 submissions from 2 submitters: Uncertain significance (2). Last evaluated 2025-12-05.

Allele frequency attached by ClinVar (database versions not stated): gnomAD exomes 0.00002 and 0.00003; gnomAD 0.00005 and 0.00004; ESP Exome Variant Server 0.00015; ExAC 0.00002; TOPMed 0.00003.
gnomAD v4.1: 42 of 1,613,692 alleles (0.0026%); highest among the groups gnomAD compares: South Asian, 0.0099%; no homozygotes.

Submissions (2):

Labcorp Genetics (formerly Invitae), Labcorp
Classification: Uncertain significance. Last evaluated: 2025-12-05. Review status: criteria provided, single submitter. Criteria: Invitae Variant Classification Sherloc (09022015). Collection method: clinical testing. Allele origin: germline.
Comment: This sequence change replaces arginine, which is basic and polar, with histidine, which is basic and polar, at codon 252 of the TGM6 protein (p.Arg252His). This variant is present in population databases (rs147093390, gnomAD 0.01%). This variant has not been reported in the literature in individuals affected with TGM6-related conditions. ClinVar contains an entry for this variant (Variation ID: 586829). Invitae Evidence Modeling of protein sequence and biophysical properties (such as structural, functional, and spatial information, amino acid conservation, physicochemical variation, residue mobility, and thermodynamic stability) indicates that this missense variant is not expected to disrupt TGM6 protein function with a negative predictive value of 80%. In summary, the available evidence is currently insufficient to determine the role of this variant in disease. Therefore, it has been classified as a Variant of Uncertain Significance.

Athena Diagnostics
Classification: Uncertain significance. Last evaluated: 2018-07-31. Review status: criteria provided, single submitter. Criteria: Athena Diagnostics Criteria. Collection method: clinical testing. Allele origin: germline.

NM_198994.3(TGM6):c.755G>A (p.Arg252His)

Gene: TGM6 (transglutaminase 6; plus strand). Cytogenetic location: 20p13.
Variant type: single nucleotide variant.
Coding change: c.755G>A on transcript NM_198994.3 (MANE Select); coding-DNA position 755, G replaced by A.
Protein change: p.Arg252His; replaces arginine 252 with histidine.
Molecular consequence: missense variant.
Genome position (GRCh38, 1-based): chr20:2,399,643, G>A. VCF-style: chr20-2399643-G-A. GRCh37 (hg19) VCF-style: chr20-2380289-G-A.
Other names: c.755G>A, p.Arg252His (NM_001254734.2); short protein forms R252H.
Identifiers: ClinVar variation 586829 (VCV000586829.5), dbSNP rs147093390, ClinGen allele CA9731810.